The following is an entry in ClinVar:

NM_015231.3(NUP160):c.2505-6G>A

Gene: NUP160 (nucleoporin 160; minus strand). Cytogenetic location: 11p11.2.
Variant type: single nucleotide variant.
Coding change: c.2505-6G>A on transcript NM_015231.3 (MANE Select); 6 bases into the intron before coding-DNA position 2505, G replaced by A.
Molecular consequence: intron variant.
Genome position (GRCh38, 1-based): chr11:47,804,624, C>T on the plus strand (G>A on the coding strand, the complement: NUP160 is on the minus strand). VCF-style: chr11-47804624-C-T. GRCh37 (hg19) VCF-style: chr11-47826176-C-T.
Identifiers: ClinVar variation 3049765 (VCV003049765.2), dbSNP rs760562797, ClinGen allele CA5980959.

ClinVar aggregate classification (germline): Likely benign (0 of 4 stars; one submission).

Conditions:
NUP160-related disorder. Also called: NUP160-related condition.

Allele frequency attached by ClinVar (database versions not stated): TOPMed 0.00001; gnomAD 0.00003.
gnomAD v4.1: 149 of 1,515,456 alleles (0.0098%); highest among the groups gnomAD compares: Non-Finnish European, 0.0061%; 2 homozygotes.

Submission:

PreventionGenetics, part of Exact Sciences
Classification: Likely benign for NUP160-related condition. Last evaluated: 2019-07-10. Review status: no assertion criteria provided. Collection method: clinical testing. Allele origin: germline.
Comment: This variant is classified as likely benign based on ACMG/AMP sequence variant interpretation guidelines (Richards et al. 2015 PMID: 25741868, with internal and published modifications).